The following is an entry in ClinVar:

ClinVar aggregate classification (germline): Uncertain significance. Review status: criteria provided, multiple submitters, no conflicts (2 of 4 stars). 3 submissions from 3 submitters: Uncertain significance (3). Last evaluated 2025-10-19.

Allele frequency attached by ClinVar (database versions not stated): gnomAD exomes 0.00003; gnomAD 0.00017; TOPMed 0.00023.
gnomAD v4.1: 74 of 1,568,932 alleles (0.0047%); highest among the groups gnomAD compares: Admixed American, 0.047%; no homozygotes.

Submissions (3):

Labcorp Genetics (formerly Invitae), Labcorp
Classification: Uncertain significance. Last evaluated: 2025-10-19. Review status: criteria provided, single submitter. Criteria: Invitae Variant Classification Sherloc (09022015). Collection method: clinical testing. Allele origin: germline.
Comment: This sequence change replaces proline, which is neutral and non-polar, with serine, which is neutral and polar, at codon 2684 of the ITPR1 protein (p.Pro2684Ser). This variant is present in population databases (rs201306619, gnomAD 0.03%). This missense change has been observed in individual(s) with clinical features of ITPR1-related conditions (PMID: 29482223). ClinVar contains an entry for this variant (Variation ID: 1807470). Invitae Evidence Modeling of protein sequence and biophysical properties (such as structural, functional, and spatial information, amino acid conservation, physicochemical variation, residue mobility, and thermodynamic stability) indicates that this missense variant is not expected to disrupt ITPR1 protein function with a negative predictive value of 95%. In summary, the available evidence is currently insufficient to determine the role of this variant in disease. Therefore, it has been classified as a Variant of Uncertain Significance.

GeneDx
Classification: Uncertain significance. Last evaluated: 2022-07-13. Review status: criteria provided, single submitter. Criteria: GeneDx Variant Classification Process June 2021. Collection method: clinical testing. Allele origin: germline. Affected: yes.
Comment: In silico analysis supports that this missense variant does not alter protein structure/function; This variant is associated with the following publications: (PMID: 29482223)

Athena Diagnostics
Classification: Uncertain significance. Last evaluated: 2022-01-11. Review status: criteria provided, single submitter. Criteria: Athena Diagnostics Criteria. Collection method: clinical testing. Allele origin: unknown.

Literature cited by the submitters: PubMed 29482223 (cited by Labcorp Genetics (formerly Invitae), Labcorp and Athena Diagnostics).

NM_001378452.1(ITPR1):c.8239C>T (p.Pro2747Ser)

Gene: ITPR1 (inositol 1,4,5-trisphosphate receptor type 1; plus strand). Cytogenetic location: 3p26.1.
Variant type: single nucleotide variant.
Coding change: c.8239C>T on transcript NM_001378452.1 (MANE Select); coding-DNA position 8239, C replaced by T.
Protein change: p.Pro2747Ser; replaces proline 2747 with serine.
Molecular consequence: missense variant.
Genome position (GRCh38, 1-based): chr3:4,846,187, C>T. VCF-style: chr3-4846187-C-T. GRCh37 (hg19) VCF-style: chr3-4887871-C-T.
Other names: c.8095C>T, p.Pro2699Ser (NM_001099952.4); c.8194C>T, p.Pro2732Ser (NM_001168272.2); c.8050C>T, p.Pro2684Ser (NM_002222.7); short protein forms P2684S, P2699S, P2732S, P2747S.
Identifiers: ClinVar variation 1807470 (VCV001807470.7), dbSNP rs201306619, ClinGen allele CA2233110.
Genomic context (GRCh38, chr3:4,846,187, plus strand): 5'-TTAACTTTCCAGATGACAGAACAAAGGAAGCAGAAACAAAGAATTGGTCTTCTAGGACAT[C>T]CTCCTCACATGAATGTCAACCCACAACAACCAGCATAAGCAAATGAAAGAAAGGAATTGT-3'
Protein context (NP_001365381.1, residues 2737-2757): QKQRIGLLGH[Pro2747Ser]PHMNVNPQQP